The following is an entry in ClinVar:

ClinVar aggregate classification (germline): Likely benign (1 of 4 stars; one submission).

Allele frequency attached by ClinVar (database versions not stated): gnomAD exomes below 0.00001.
gnomAD v4.1: 1 of 1,613,638 alleles (0.000062%); highest among the groups gnomAD compares: South Asian, 0.0011%; no homozygotes.

Submission:

GeneDx
Classification: Likely benign. Last evaluated: 2017-03-01. Review status: criteria provided, single submitter. Criteria: GeneDx Variant Classification (06012015). Collection method: clinical testing. Allele origin: germline. Affected: yes.
Comment: This variant is considered likely benign or benign based on one or more of the following criteria: it is a conservative change, it occurs at a poorly conserved position in the protein, it is predicted to be benign by multiple in silico algorithms, and/or has population frequency not consistent with disease.

NM_001267550.2(TTN):c.13071T>G (p.Ile4357Met)

Gene: TTN (titin; minus strand). Cytogenetic location: 2q31.2.
Variant type: single nucleotide variant.
Coding change: c.13071T>G on transcript NM_001267550.2 (MANE Select); coding-DNA position 13071, T replaced by G.
Protein change: p.Ile4357Met; replaces isoleucine 4357 with methionine.
Molecular consequence: missense variant. On other transcripts: intron variant (1).
Genome position (GRCh38, 1-based): chr2:178,740,162, A>C on the plus strand (T>G on the coding strand, the complement: TTN is on the minus strand). VCF-style: chr2-178740162-A-C. GRCh37 (hg19) VCF-style: chr2-179604889-A-C.
Other names: c.12120T>G, p.Ile4040Met (NM_001256850.1); c.11982T>G, p.Ile3994Met (NM_003319.4); c.12357T>G, p.Ile4119Met (NM_133432.3); c.12558T>G, p.Ile4186Met (NM_133437.4); c.10361-1802T>G (NM_133378.4); short protein forms I4040M, I4357M, I4186M, I3994M, I4119M.
Identifiers: ClinVar variation 507850 (VCV000507850.1), dbSNP rs1553938053, ClinGen allele CA349609532.